The following is an entry in ClinVar:

ClinVar aggregate classification (germline): Likely pathogenic (0 of 4 stars; one submission).

Conditions:
Waardenburg syndrome type 1 (WS1). Also called: WAARDENBURG SYNDROME WITH DYSTOPIA CANTHORUM; Waardenburg Syndrome Type I. Identifiers: Orphanet 894, MedGen C1847800, MONDO:0008670, OMIM 193500.

Submission:

Gemeinschaftspraxis fuer Humangenetik Dresden
Classification: Likely pathogenic for Waardenburg syndrome type 1. Last evaluated: 2021-08-12. Review status: no assertion criteria provided. Collection method: clinical testing. Allele origin: germline. Inheritance: Autosomal dominant inheritance. Affected: yes.
Comment: This mutation c.809G>C, p.(Arg270Pro) is not reported in HGMD 2021.2, gnomAD (v2.1.1), dbSNP (v151) or LOVD. But on same aminoacid position the pathogenic mutations p.(Arg270Cys), p.(Arg270Gly) and p.(Arg270Leu) for phenotype waardenburg syndrome are known. The position Arg270 is a hotspot in the homeodomain of the PAX3 gene (Pingault et al. 2010). Multiple lines of computational evidence support a deleterious effect (AGVGD, SIFT, MutationTaster2021, PolyPhen-2). In summary, the p.Arg270Pro variant meets our criteria to be classified as likely pathogenic. ACMG: PM1, PM2, PM5, PP3

Literature cited by the submitters: PubMed 20127975.

NM_181458.4(PAX3):c.809G>C (p.Arg270Pro)

Gene: PAX3 (paired box 3; minus strand). Cytogenetic location: 2q36.1.
Variant type: single nucleotide variant.
Coding change: c.809G>C on transcript NM_181458.4 (MANE Select); coding-DNA position 809, G replaced by C.
Protein change: p.Arg270Pro; replaces arginine 270 with proline.
Molecular consequence: missense variant.
Genome position (GRCh38, 1-based): chr2:222,221,371, C>G on the plus strand (G>C on the coding strand, the complement: PAX3 is on the minus strand). VCF-style: chr2-222221371-C-G. GRCh37 (hg19) VCF-style: chr2-223086090-C-G.
Other names: c.806G>C, p.Arg269Pro (NM_001127366.3); c.809G>C, p.Arg270Pro (NM_181457.4, NM_181459.4, NM_181460.4 and 1 more transcripts); short protein forms R269P, R270P.
Identifiers: ClinVar variation 1677250 (VCV001677250.1), dbSNP rs2106074603, ClinGen allele CA351116735.